The following is an entry in ClinVar:

NM_031935.3(HMCN1):c.9613G>A (p.Gly3205Arg)

Gene: HMCN1 (hemicentin 1; plus strand). Cytogenetic location: 1q31.1.
Variant type: single nucleotide variant.
Coding change: c.9613G>A on transcript NM_031935.3 (MANE Select); coding-DNA position 9613, G replaced by A.
Protein change: p.Gly3205Arg; replaces glycine 3205 with arginine.
Molecular consequence: missense variant.
Genome position (GRCh38, 1-based): chr1:186,088,641, G>A. VCF-style: chr1-186088641-G-A. GRCh37 (hg19) VCF-style: chr1-186057773-G-A.
Other names: short protein forms G3205R.
Identifiers: ClinVar variation 2849172 (VCV002849172.3), dbSNP rs775194711, ClinGen allele CA1293502.
Genomic context (GRCh38, chr1:186,088,641, plus strand): 5'-TATTGTGCTTTGTTTCTACCTCTAGAAAATTCTGACTCACTGGAAGTTCGTATTTTGTCT[G>A]GAGGTAGCAAACTCCAGATTGCCCGGTCTCAGCATTCAGATAGTGGAAACTATACATGTA-3'
Protein context (NP_114141.2, residues 3195-3215): SDSLEVRILS[Gly3205Arg]GSKLQIARSQ

ClinVar aggregate classification (germline): Uncertain significance (1 of 4 stars; one submission).

Allele frequency attached by ClinVar (database versions not stated): gnomAD exomes below 0.00001; ExAC 0.00001.
gnomAD v4.1: 1 of 1,611,950 alleles (0.000062%); highest among the groups gnomAD compares: Admixed American, 0.0017%; no homozygotes.

Submission:

Labcorp Genetics (formerly Invitae), Labcorp
Classification: Uncertain significance. Last evaluated: 2024-03-22. Review status: criteria provided, single submitter. Criteria: Invitae Variant Classification Sherloc (09022015). Collection method: clinical testing. Allele origin: germline.
Comment: This sequence change replaces glycine, which is neutral and non-polar, with arginine, which is basic and polar, at codon 3205 of the HMCN1 protein (p.Gly3205Arg). The frequency data for this variant in the population databases is considered unreliable, as metrics indicate poor data quality at this position in the gnomAD database. This variant has not been reported in the literature in individuals affected with HMCN1-related conditions. An algorithm developed to predict the effect of missense changes on protein structure and function (PolyPhen-2) suggests that this variant is likely to be disruptive. In summary, the available evidence is currently insufficient to determine the role of this variant in disease. Therefore, it has been classified as a Variant of Uncertain Significance.